The following is an entry in ClinVar:

NM_006059.4(LAMC3):c.*19G>A

Gene: LAMC3 (laminin subunit gamma 3; plus strand). Cytogenetic location: 9q34.12.
Variant type: single nucleotide variant.
Coding change: c.*19G>A on transcript NM_006059.4 (MANE Select); 19 bases downstream of the stop codon, G replaced by A.
Molecular consequence: 3 prime UTR variant.
Genome position (GRCh38, 1-based): chr9:131,091,806, G>A. VCF-style: chr9-131091806-G-A. GRCh37 (hg19) VCF-style: chr9-133967193-G-A.
Identifiers: ClinVar variation 380620 (VCV000380620.1), dbSNP rs199668023, ClinGen allele CA5288271.

ClinVar aggregate classification (germline): Likely benign (1 of 4 stars; one submission).

Allele frequency attached by ClinVar (database versions not stated): ESP Exome Variant Server 0.00054; TOPMed 0.00055; gnomAD 0.00056 and 0.00059; ExAC 0.00076; gnomAD exomes 0.00091.

Submission:

GeneDx
Classification: Likely benign. Last evaluated: 2016-04-15. Review status: criteria provided, single submitter. Criteria: GeneDx Variant Classification (06012015). Collection method: clinical testing. Allele origin: germline. Affected: yes.
Comment: This variant is considered likely benign or benign based on one or more of the following criteria: it is a conservative change, it occurs at a poorly conserved position in the protein, it is predicted to be benign by multiple in silico algorithms, and/or has population frequency not consistent with disease.